The following is an entry in ClinVar:

NM_005334.3(HCFC1):c.5764G>C (p.Glu1922Gln)

Gene: HCFC1 (host cell factor C1; minus strand). Cytogenetic location: Xq28.
Variant type: single nucleotide variant.
Coding change: c.5764G>C on transcript NM_005334.3 (MANE Select); coding-DNA position 5764, G replaced by C.
Protein change: p.Glu1922Gln; replaces glutamic acid 1922 with glutamine.
Molecular consequence: missense variant.
Genome position (GRCh38, 1-based): chrX:153,950,483, C>G on the plus strand (G>C on the coding strand, the complement: HCFC1 is on the minus strand). VCF-style: chrX-153950483-C-G. GRCh37 (hg19) VCF-style: chrX-153215934-C-G.
Other names: short protein forms E1922Q.
Identifiers: ClinVar variation 1311461 (VCV001311461.2), dbSNP rs1557112154, ClinGen allele CA415102881.

ClinVar aggregate classification (germline): Uncertain significance (1 of 4 stars; one submission).

Allele frequency attached by ClinVar (database versions not stated): gnomAD exomes 0.00001.
gnomAD v4.1: 1 of 1,191,018 alleles (0.000084%); highest among the groups gnomAD compares: Non-Finnish European, 0.00011%; no homozygotes.

Submission:

GeneDx
Classification: Uncertain significance. Last evaluated: 2020-09-08. Review status: criteria provided, single submitter. Criteria: GeneDx Variant Classification Process June 2021. Collection method: clinical testing. Allele origin: germline. Affected: yes.
Comment: In silico analysis, which includes protein predictors and evolutionary conservation, supports that this variant does not alter protein structure/function; Has not been previously published as pathogenic or benign to our knowledge